The following is an entry in ClinVar:

NM_001127208.3(TET2):c.1712G>A (p.Arg571His)

Genes: TET2 (tet methylcytosine dioxygenase 2; plus strand), TET2-AS1 (TET2 antisense RNA 1; minus strand). Cytogenetic location: 4q24.
Variant type: single nucleotide variant.
Coding change: c.1712G>A on transcript NM_001127208.3 (MANE Select); coding-DNA position 1712, G replaced by A.
Protein change: p.Arg571His; replaces arginine 571 with histidine.
Molecular consequence: missense variant.
Genome position (GRCh38, 1-based): chr4:105,235,654, G>A. VCF-style: chr4-105235654-G-A. GRCh37 (hg19) VCF-style: chr4-106156811-G-A.
Other names: c.1712G>A, p.Arg571His (NM_017628.4); short protein forms R571H.
Identifiers: ClinVar variation 2582545 (VCV002582545.25), dbSNP rs146049881, ClinGen allele CA3031744.
Genomic context (GRCh38, chr4:105,235,654, plus strand): 5'-ATCTTGTGCCCCCAACACAGCACTATCTGAAACCAGGATGGATTGAATTGAAGGCCCCTC[G>A]TTTTCACCAAGCGGAATCCCATCTAAAACGTAATGAGGCATCACTGCCATCAATTCTTCA-3'
Protein context (NP_001120680.1, residues 561-581): KPGWIELKAP[Arg571His]FHQAESHLKR

ClinVar aggregate classification (germline): Uncertain significance. Review status: criteria provided, multiple submitters, no conflicts (2 of 4 stars). 2 submissions from 2 submitters: Uncertain significance (2). Last evaluated 2023-01-09.

Conditions:
Immunodeficiency 75. Also called: IMMUNODEFICIENCY 75 WITH LYMPHOPROLIFERATION. Identifiers: Orphanet 664729, MedGen C5436860, MONDO:0030858, OMIM 619126.

Allele frequency attached by ClinVar (database versions not stated): gnomAD exomes 0.00001; ExAC 0.00003; gnomAD 0.00004; TOPMed 0.00005; ESP Exome Variant Server 0.00015; 1000 Genomes Project 30x 0.00016; 1000 Genomes Project 0.00020.
gnomAD v4.1: 21 of 1,614,092 alleles (0.0013%); highest among the groups gnomAD compares: African/African-American, 0.012%; no homozygotes.

Submissions (2):

Baylor Genetics
Classification: Uncertain significance for Immunodeficiency 75. Last evaluated: 2023-01-09. Review status: criteria provided, single submitter. Criteria: ACMG Guidelines, 2015. Collection method: clinical testing. Allele origin: unknown.

CeGaT Center for Human Genetics Tuebingen
Classification: Uncertain significance. Last evaluated: 2022-05-01. Review status: criteria provided, single submitter. Criteria: CeGaT Center For Human Genetics Tuebingen Variant Classification Criteria Version 2. Collection method: clinical testing. Allele origin: germline. Affected: yes. Observed: 1 variant allele.
Comment: TET2: PM2, BP4